The following is an entry in ClinVar:

NM_019594.4(LRRC8A):c.23G>A (p.Arg8His)

Gene: LRRC8A (leucine rich repeat containing 8 VRAC subunit A; plus strand). Cytogenetic location: 9q34.11.
Variant type: single nucleotide variant.
Coding change: c.23G>A on transcript NM_019594.4 (MANE Select); coding-DNA position 23, G replaced by A.
Protein change: p.Arg8His; replaces arginine 8 with histidine.
Molecular consequence: missense variant.
Genome position (GRCh38, 1-based): chr9:128,907,187, G>A. VCF-style: chr9-128907187-G-A. GRCh37 (hg19) VCF-style: chr9-131669466-G-A.
Other names: c.23G>A, p.Arg8His (NM_001127244.2, NM_001127245.2); short protein forms R8H.
Identifiers: ClinVar variation 2817643 (VCV002817643.3), dbSNP rs770380359, ClinGen allele CA5270654.

ClinVar aggregate classification (germline): Uncertain significance (1 of 4 stars; one submission).

Allele frequency attached by ClinVar (database versions not stated): TOPMed below 0.00001; gnomAD 0.00001; gnomAD exomes 0.00001; ExAC 0.00002.
gnomAD v4.1: 4 of 1,609,784 alleles (0.00025%); highest among the groups gnomAD compares: African/African-American, 0.0013%; no homozygotes.

Submission:

Labcorp Genetics (formerly Invitae), Labcorp
Classification: Uncertain significance. Last evaluated: 2022-11-30. Review status: criteria provided, single submitter. Criteria: Invitae Variant Classification Sherloc (09022015). Collection method: clinical testing. Allele origin: germline.
Comment: This sequence change replaces arginine, which is basic and polar, with histidine, which is basic and polar, at codon 8 of the LRRC8A protein (p.Arg8His). This variant is present in population databases (rs770380359, gnomAD 0.007%). This variant has not been reported in the literature in individuals affected with LRRC8A-related conditions. Algorithms developed to predict the effect of missense changes on protein structure and function (SIFT, PolyPhen-2, Align-GVGD) all suggest that this variant is likely to be disruptive. In summary, the available evidence is currently insufficient to determine the role of this variant in disease. Therefore, it has been classified as a Variant of Uncertain Significance.